The following is an entry in ClinVar:

ClinVar aggregate classification (germline): Uncertain significance (1 of 4 stars; one submission).

Allele frequency attached by ClinVar (database versions not stated): gnomAD exomes below 0.00001.
gnomAD v4.1: 1 of 1,613,882 alleles (0.000062%); highest among the groups gnomAD compares: Admixed American, 0.0017%; no homozygotes.

Submission:

Labcorp Genetics (formerly Invitae), Labcorp
Classification: Uncertain significance. Last evaluated: 2022-11-22. Review status: criteria provided, single submitter. Criteria: Invitae Variant Classification Sherloc (09022015). Collection method: clinical testing. Allele origin: germline.
Comment: In summary, the available evidence is currently insufficient to determine the role of this variant in disease. Therefore, it has been classified as a Variant of Uncertain Significance. Algorithms developed to predict the effect of missense changes on protein structure and function (SIFT, PolyPhen-2, Align-GVGD) all suggest that this variant is likely to be tolerated. This variant has not been reported in the literature in individuals affected with XPO5-related conditions. This variant is present in population databases (no rsID available, gnomAD 0.003%). This sequence change replaces proline, which is neutral and non-polar, with serine, which is neutral and polar, at codon 951 of the XPO5 protein (p.Pro951Ser).

NM_020750.3(XPO5):c.2851C>T (p.Pro951Ser)

Genes: POLR1C (RNA polymerase I and III subunit C; plus strand), XPO5 (exportin 5; minus strand). Cytogenetic location: 6p21.1.
Variant type: single nucleotide variant.
Coding change: c.2851C>T on transcript NM_020750.3 (MANE Select); coding-DNA position 2851, C replaced by T.
Protein change: p.Pro951Ser; replaces proline 951 with serine.
Molecular consequence: missense variant. On other transcripts: non-coding transcript variant (1), intron variant (2).
Genome position (GRCh38, 1-based): chr6:43,527,703, G>A on the plus strand (C>T on the coding strand, the complement: XPO5 is on the minus strand). VCF-style: chr6-43527703-G-A. GRCh37 (hg19) VCF-style: chr6-43495441-G-A.
Other names: c.922+6655G>A (NM_001363658.2); c.923-1546G>A (NM_001318876.2); short protein forms P951S.
Identifiers: ClinVar variation 2869866 (VCV002869866.3), dbSNP rs367992648, ClinGen allele CA364290787.
Genomic context (GRCh38, chr6:43,527,703, plus strand): 5'-CCATGACTTCTCGGGTTAACATCCTCACCAGTTGCTCCTCCAGCATCTCTTGAGACTCTG[G>A]GTTTTCATCTGCAGCCTCATCTTCTCCACTGCAGAAAACCAGGGGGCCAAGTTCCACAGG-3'
Protein context (NP_065801.1, residues 941-961): CGEDEAADEN[Pro951Ser]ESQEMLEEQL